The following is an entry in ClinVar:

ClinVar aggregate classification (germline): Conflicting classifications of pathogenicity. Review status: criteria provided, conflicting classifications (1 of 4 stars). 2 submissions from 2 submitters: Uncertain significance (1); Likely benign (1). Last evaluated 2018-01-12.

Conditions:
Qualitative or quantitative defects of delta-sarcoglycan. Identifiers: Orphanet 207070, MedGen C5680806, MONDO:0016144.

Allele frequency attached by ClinVar (database versions not stated): gnomAD exomes 0.00007 and 0.00013; TOPMed 0.00007; gnomAD 0.00009; ExAC 0.00010; ESP Exome Variant Server 0.00017.
gnomAD v4.1: 205 of 1,612,250 alleles (0.013%); highest among the groups gnomAD compares: Non-Finnish European, 0.016%; no homozygotes.

Submissions (2):

Illumina Laboratory Services, Illumina
Classification: Uncertain significance for Qualitative or quantitative defects of delta-sarcoglycan. Last evaluated: 2018-01-12. Review status: criteria provided, single submitter. Criteria: ICSL Variant Classification Criteria 13 December 2019. Collection method: clinical testing. Allele origin: germline.

GeneDx
Classification: Likely benign. Last evaluated: 2017-08-07. Review status: criteria provided, single submitter. Criteria: GeneDx Variant Classification (06012015). Collection method: clinical testing. Allele origin: germline. Affected: yes.
Comment: This variant is considered likely benign or benign based on one or more of the following criteria: it is a conservative change, it occurs at a poorly conserved position in the protein, it is predicted to be benign by multiple in silico algorithms, and/or has population frequency not consistent with disease.

NM_000337.6(SGCD):c.-30G>A

Gene: SGCD (sarcoglycan delta; plus strand). Cytogenetic location: 5q33.3.
Variant type: single nucleotide variant.
Coding change: c.-30G>A on transcript NM_000337.6 (MANE Select); 30 bases upstream of the start codon, G replaced by A.
Molecular consequence: 5 prime UTR variant. On other transcripts: intron variant (1).
Genome position (GRCh38, 1-based): chr5:156,329,547, G>A. VCF-style: chr5-156329547-G-A. GRCh37 (hg19) VCF-style: chr5-155756557-G-A.
Other names: c.-30G>A (NM_172244.3); c.-1+2315G>A (NM_001128209.2).
Identifiers: ClinVar variation 352331 (VCV000352331.6), dbSNP rs374043017, ClinGen allele CA3530427.